The following is an entry in ClinVar:

NM_199355.4(ADAMTS18):c.1717C>T (p.Arg573Trp)

Gene: ADAMTS18 (ADAM metallopeptidase with thrombospondin type 1 motif 18; minus strand). Cytogenetic location: 16q23.1.
Variant type: single nucleotide variant.
Coding change: c.1717C>T on transcript NM_199355.4 (MANE Select); coding-DNA position 1717, C replaced by T.
Protein change: p.Arg573Trp; replaces arginine 573 with tryptophan.
Molecular consequence: missense variant.
Genome position (GRCh38, 1-based): chr16:77,335,898, G>A on the plus strand (C>T on the coding strand, the complement: ADAMTS18 is on the minus strand). VCF-style: chr16-77335898-G-A. GRCh37 (hg19) VCF-style: chr16-77369795-G-A.
Other names: c.1201C>T, p.Arg401Trp (NM_001326358.2); short protein forms R401W, R573W.
Identifiers: ClinVar variation 1946971 (VCV001946971.2), dbSNP rs1175274393, ClinGen allele CA396832471.

ClinVar aggregate classification (germline): Uncertain significance (1 of 4 stars; one submission).

Allele frequency attached by ClinVar (database versions not stated): gnomAD exomes 0.00001; TOPMed 0.00002; gnomAD 0.00003.
gnomAD v4.1: 22 of 1,614,042 alleles (0.0014%); highest among the groups gnomAD compares: South Asian, 0.0077%; no homozygotes.

Submission:

Labcorp Genetics (formerly Invitae), Labcorp
Classification: Uncertain significance. Last evaluated: 2022-06-20. Review status: criteria provided, single submitter. Criteria: Invitae Variant Classification Sherloc (09022015). Collection method: clinical testing. Allele origin: germline.
Comment: This sequence change replaces arginine, which is basic and polar, with tryptophan, which is neutral and slightly polar, at codon 573 of the ADAMTS18 protein (p.Arg573Trp). This variant is not present in population databases (gnomAD no frequency). This variant has not been reported in the literature in individuals affected with ADAMTS18-related conditions. Algorithms developed to predict the effect of missense changes on protein structure and function are either unavailable or do not agree on the potential impact of this missense change (SIFT: "Not Available"; PolyPhen-2: "Probably Damaging"; Align-GVGD: "Not Available"). In summary, the available evidence is currently insufficient to determine the role of this variant in disease. Therefore, it has been classified as a Variant of Uncertain Significance.